The following is an entry in ClinVar:

NM_001349253.2(SCN11A):c.1948C>T (p.Leu650Phe)

Gene: SCN11A (sodium voltage-gated channel alpha subunit 11; minus strand). Cytogenetic location: 3p22.2.
Variant type: single nucleotide variant.
Coding change: c.1948C>T on transcript NM_001349253.2 (MANE Select); coding-DNA position 1948, C replaced by T.
Protein change: p.Leu650Phe; replaces leucine 650 with phenylalanine.
Molecular consequence: missense variant.
Genome position (GRCh38, 1-based): chr3:38,899,968, G>A on the plus strand (C>T on the coding strand, the complement: SCN11A is on the minus strand). VCF-style: chr3-38899968-G-A. GRCh37 (hg19) VCF-style: chr3-38941459-G-A.
Other names: c.1948C>T, p.Leu650Phe (NM_014139.3); short protein forms L650F.
Identifiers: ClinVar variation 1562562 (VCV001562562.12), dbSNP rs547815342, ClinGen allele CA2322162.

ClinVar aggregate classification (germline): Likely benign. Review status: criteria provided, multiple submitters, no conflicts (2 of 4 stars). 3 submissions from 3 submitters: Likely benign (2). 1 of the submissions does not count toward it. Last evaluated 2025-01-13.

Conditions:
SCN11A-related disorder. Also called: SCN11A-related condition.
Familial episodic pain syndrome with predominantly lower limb involvement. Also called: Episodic pain syndrome, familial, 3. Identifiers: Orphanet 391384, Orphanet 391392, MedGen C3809899, MONDO:0014247, OMIM 615552.
Hereditary sensory and autonomic neuropathy type 7. Also called: Neuropathy, hereditary sensory and autonomic, type VII; HSAN VII. Identifiers: Orphanet 391397, MedGen C3809882, MONDO:0014244, OMIM 615548.
Inborn genetic diseases. Identifiers: MedGen C0950123, MeSH D030342.

Allele frequency attached by ClinVar (database versions not stated): gnomAD exomes 0.00003 and 0.00020; gnomAD 0.00004; TOPMed 0.00011; 1000 Genomes Project 30x 0.00016; ExAC 0.00019; 1000 Genomes Project 0.00020.
gnomAD v4.1: 56 of 1,614,112 alleles (0.0035%); highest among the groups gnomAD compares: East Asian, 0.12%; no homozygotes.

Submissions (3):

Labcorp Genetics (formerly Invitae), Labcorp
Classification: Likely benign for Familial episodic pain syndrome with predominantly lower limb involvement; Hereditary sensory and autonomic neuropathy type 7. Last evaluated: 2025-01-13. Review status: criteria provided, single submitter. Criteria: Invitae Variant Classification Sherloc (09022015). Collection method: clinical testing. Allele origin: germline.

Ambry Genetics
Classification: Likely benign for Inborn genetic diseases. Last evaluated: 2022-02-28. Review status: criteria provided, single submitter. Criteria: Ambry Variant Classification Scheme 2023. Collection method: clinical testing. Allele origin: germline.

PreventionGenetics, part of Exact Sciences
Classification: Likely benign for SCN11A-related condition. Last evaluated: 2019-10-22. Review status: no assertion criteria provided. Collection method: clinical testing. Allele origin: germline. Not counted in ClinVar's aggregate classification.
Comment: This variant is classified as likely benign based on ACMG/AMP sequence variant interpretation guidelines (Richards et al. 2015 PMID: 25741868, with internal and published modifications).